The following is an entry in ClinVar:

NM_003159.3(CDKL5):c.2980G>A (p.Gly994Arg)

Genes: CDKL5 (cyclin dependent kinase like 5; plus strand), RS1 (retinoschisin 1; minus strand). Cytogenetic location: Xp22.13.
Variant type: single nucleotide variant.
Coding change: c.2980G>A on transcript NM_003159.3; coding-DNA position 2980, G replaced by A.
Protein change: p.Gly994Arg; replaces glycine 994 with arginine.
Molecular consequence: missense variant. On other transcripts: intron variant (1).
Genome position (GRCh38, 1-based): chrX:18,650,592, G>A. VCF-style: chrX-18650592-G-A. GRCh37 (hg19) VCF-style: chrX-18668712-G-A.
Other names: c.2980G>A, p.Gly994Arg (NM_001037343.2); c.185-3260C>T (NM_000330.4); short protein forms G994R.
Identifiers: ClinVar variation 375543 (VCV000375543.14), dbSNP rs866859766, ClinGen allele CA16044339.

ClinVar aggregate classification (germline): Likely benign. Review status: reviewed by expert panel (3 of 4 stars). 3 submissions from 3 submitters: Likely benign (1). 2 of the submissions do not count toward it. Last evaluated 2023-02-20.

Conditions:
Epileptic encephalopathy. Identifiers: MedGen C0543888, HP:0200134.
CDKL5 disorder. Identifiers: MedGen CN296942, MONDO:0100039.
Angelman syndrome-like. Identifiers: MedGen CN128785.
Developmental and epileptic encephalopathy, 2 (DEE2). Also called: INFANTILE SPASM SYNDROME, X-LINKED 2; CDKL5 deficiency disorder. Identifiers: Orphanet 1934, Orphanet 3451, Orphanet 505652, MedGen C4750718, MONDO:0010396, OMIM 300672.

Allele frequency attached by ClinVar (database versions not stated): TOPMed 0.00003.
gnomAD v4.1: 18 of 1,211,471 alleles (0.0015%); highest among the groups gnomAD compares: South Asian, 0.011%; no homozygotes.

Submissions (3):

ClinGen Rett and Angelman-like Disorders Variant Curation Expert Panel
Classification: Likely benign for CDKL5 disorder. Last evaluated: 2023-02-20. Review status: reviewed by expert panel. Criteria: ClinGen RettAS ACMG Specifications CDKL5 V3.0.0. Collection method: curation. Allele origin: germline. Inheritance: X-linked inheritance.
Comment: RS1(NM_000330.4) and an alternative transcript of CDKL5 (NM_003159.2) are overlapping transcripts; however, these variants are in the noncoding 3' region of the main CDKL5 transcript (NM_001323289.2). The c.2980G>A (p.Gly994Arg) variant in CDKL5 transcript (NM_003159.2) (RS1 c.185-3260C>T) is present in 0 female/1 male individual in gnomAD v2.1.1 (0.001227%) (not sufficient to meet BS1 criteria). Computational analysis prediction tools suggest that the p.Gly994Arg variant in CDKL5 does not have a deleterious impact; however this information does not predict clinical significance on its own (BP4). The p.Gly994Arg variant in CDKL5 is observed in at least 1 unaffected individual (PMID 29264392) (BS2_Supporting). In summary, the p.Gly994Arg in CDKL5 is classified as likely benign based on the ACMG/AMP criteria (BS2_Supporting, BP4).

Labcorp Genetics (formerly Invitae), Labcorp
Classification: Benign for Developmental and epileptic encephalopathy, 2; Angelman syndrome-like. Last evaluated: 2024-07-30. Review status: criteria provided, single submitter. Criteria: Invitae Variant Classification Sherloc (09022015). Collection method: clinical testing. Allele origin: germline. Not counted in ClinVar's aggregate classification.

Neurogenetics Laboratory - MEYER, AOU Meyer
Classification: Uncertain significance for Epileptic encephalopathy. Last evaluated: 2016-11-16. Review status: criteria provided, single submitter. Criteria: ACMG Guidelines, 2015. Collection method: clinical testing. Allele origin: unknown. Affected: yes. Observed: 1 heterozygote. Not counted in ClinVar's aggregate classification.